The following is an entry in ClinVar:

ClinVar aggregate classification (germline): Uncertain significance (1 of 4 stars; one submission).

Conditions:
Alstrom syndrome (ALMS). Identifiers: Orphanet 64, MedGen C0268425, MONDO:0008763, OMIM 203800.

Submission:

Labcorp Genetics (formerly Invitae), Labcorp
Classification: Uncertain significance for Alstrom syndrome. Last evaluated: 2022-07-19. Review status: criteria provided, single submitter. Criteria: Invitae Variant Classification Sherloc (09022015). Collection method: clinical testing. Allele origin: germline.
Comment: In summary, the available evidence is currently insufficient to determine the role of this variant in disease. Therefore, it has been classified as a Variant of Uncertain Significance. Experimental studies and prediction algorithms are not available or were not evaluated, and the functional significance of this variant is currently unknown. This variant has not been reported in the literature in individuals affected with ALMS1-related conditions. This variant is a gross deletion of the genomic region encompassing exon(s) 22-23 of the ALMS1 gene, which includes the termination codon. This deletion extends beyond the assayed region for this gene and therefore may encompass additional genes. While this deletion is not anticipated to lead to nonsense mediated decay, it is expected to alter mRNA translation or result in a truncated protein product.

NC_000002.11:g.(?_73835582)_(73836739_?)del

Gene: ALMS1 (ALMS1 centrosome and basal body associated protein; plus strand). Cytogenetic location: 2p13.1.
Variant type: Deletion.
Identifiers: ClinVar variation 1426364 (VCV001426364.7).